The following is an entry in ClinVar:

NM_022168.4(IFIH1):c.1865C>A (p.Ala622Glu)

Gene: IFIH1 (interferon induced with helicase C domain 1; minus strand). Cytogenetic location: 2q24.2.
Variant type: single nucleotide variant.
Coding change: c.1865C>A on transcript NM_022168.4 (MANE Select); coding-DNA position 1865, C replaced by A.
Protein change: p.Ala622Glu; replaces alanine 622 with glutamic acid.
Molecular consequence: missense variant.
Genome position (GRCh38, 1-based): chr2:162,277,594, G>T on the plus strand (C>A on the coding strand, the complement: IFIH1 is on the minus strand). VCF-style: chr2-162277594-G-T. GRCh37 (hg19) VCF-style: chr2-163134104-G-T.
Other names: short protein forms A622E.
Identifiers: ClinVar variation 1950626 (VCV001950626.5), dbSNP rs186942719, ClinGen allele CA348999430.
Genomic context (GRCh38, chr2:162,277,594, plus strand): 5'-TCTATGACTGCAAACTTCTTATCTTTCTCTTCATTATAGAAAGTTTCAAGATGAGTATAC[G>T]CATCTATCATTCGAATTGTGTCATTAATTTGTAGGGCCTCATTGTACTTCCTCAAATGTT-3'
Protein context (NP_071451.2, residues 612-632): QINDTIRMID[Ala622Glu]YTHLETFYNE

ClinVar aggregate classification (germline): Uncertain significance (1 of 4 stars; one submission).

Conditions:
Aicardi-Goutieres syndrome 7 (AGS7). Identifiers: Orphanet 51, MedGen C3888244, MONDO:0014367, OMIM 615846.
Singleton-Merten syndrome 1 (SGMRT1). Also called: Widened medullary cavities of bone, aortic calcification, abnormal dentition, and muscular weakness; Syndrome of widened medullary cavities of the metacarpals and phalanges, aortic calcification and abnormal dentition. Identifiers: Orphanet 85191, MedGen C4225427, MONDO:0024535, OMIM 182250.

gnomAD v4.1: 5 of 1,609,746 alleles (0.00031%); highest among the groups gnomAD compares: Non-Finnish European, 0.00043%; no homozygotes.

Submission:

Labcorp Genetics (formerly Invitae), Labcorp
Classification: Uncertain significance for Aicardi-Goutieres syndrome 7; Singleton-Merten syndrome 1. Last evaluated: 2022-06-20. Review status: criteria provided, single submitter. Criteria: Invitae Variant Classification Sherloc (09022015). Collection method: clinical testing. Allele origin: germline.
Comment: In summary, the available evidence is currently insufficient to determine the role of this variant in disease. Therefore, it has been classified as a Variant of Uncertain Significance. Algorithms developed to predict the effect of missense changes on protein structure and function are either unavailable or do not agree on the potential impact of this missense change (SIFT: "Tolerated"; PolyPhen-2: "Probably Damaging"; Align-GVGD: "Class C0"). This variant has not been reported in the literature in individuals affected with IFIH1-related conditions. This variant is not present in population databases (gnomAD no frequency). This sequence change replaces alanine, which is neutral and non-polar, with glutamic acid, which is acidic and polar, at codon 622 of the IFIH1 protein (p.Ala622Glu).